The following is an entry in ClinVar:

ClinVar aggregate classification (germline): Likely pathogenic (1 of 4 stars; one submission).

Conditions:
Gaucher disease. Also called: Acute cerebral Gaucher disease; Cerebroside lipidosis syndrome; Gaucher splenomegaly; Sphingolipidosis 1; Glucocerebrosidosis; Glucosylceramidase deficiency. Identifiers: Orphanet 355, MedGen C0017205, MONDO:0018150.

Submission:

Natera, Inc.
Classification: Likely pathogenic for Gaucher disease. Last evaluated: 2025-05-22. Review status: criteria provided, single submitter. Criteria: Natera Variant Classification Schema (03/2026). Collection method: clinical testing. Allele origin: germline.
Comment: The c.1523delC variant in GBA1 is a frameshift variant predicted to elongate the protein beyond the termination codon. This variant is expected to result in nonsense mediated decay, truncation, or a dysfunctional protein product. This variant is rare in the general population with a frequency below the threshold expected for the associated phenotype(s). Given the available evidence, this variant is classified as Likely Pathogenic.

NM_000157.4(GBA1):c.1523del (p.Pro508fs)

Genes: GBA1 (glucosylceramidase beta 1; minus strand), LOC106627981 (GBA recombination region; plus strand). Cytogenetic location: 1q22.
Variant type: Deletion.
Coding change: c.1523del on transcript NM_000157.4 (MANE Select); coding-DNA position 1523, one base deleted (C; older notation c.1523delC).
Protein change: p.Pro508fs; shifts the reading frame from proline 508.
Molecular consequence: frameshift variant.
Genome position (GRCh38, 1-based): chr1:155,235,083, G deleted on the plus strand (C on the coding strand, the reverse complement: GBA1 is on the minus strand); the first of 2 consecutive G bases (chr1:155,235,083-155,235,084); deleting either gives the same sequence. VCF-style (leftmost placement, unchanged base first): chr1-155235082-AG-A. GRCh37 (hg19) VCF-style: chr1-155204873-AG-A.
Other names: c.1523del, p.Pro508fs (NM_001005741.3, NM_001005742.3); c.1262del, p.Pro421fs (NM_001171811.2); c.1376del, p.Pro459fs (NM_001171812.2); short protein forms P421fs, P459fs, P508fs.
Identifiers: ClinVar variation 4817735 (VCV004817735.1).